The following is an entry in ClinVar:

NM_006231.4(POLE):c.2812C>G (p.Leu938Val)

Gene: POLE (DNA polymerase epsilon, catalytic subunit; minus strand). Cytogenetic location: 12q24.33.
Variant type: single nucleotide variant.
Coding change: c.2812C>G on transcript NM_006231.4 (MANE Select); coding-DNA position 2812, C replaced by G.
Protein change: p.Leu938Val; replaces leucine 938 with valine.
Molecular consequence: missense variant.
Genome position (GRCh38, 1-based): chr12:132,661,579, G>C on the plus strand (C>G on the coding strand, the complement: POLE is on the minus strand). VCF-style: chr12-132661579-G-C. GRCh37 (hg19) VCF-style: chr12-133238165-G-C.
Other names: c.2812C>G (NM_006231.2); short protein forms L938V.
Identifiers: ClinVar variation 1524976 (VCV001524976.9), dbSNP rs773475133, ClinGen allele CA387393708.
Genomic context (GRCh38, chr12:132,661,579, plus strand): 5'-AGTCCCACCTCTTCTTCAATTTCTTGCCTTCTTCCTTGGAGGCTGGAAGAATCATGGCAA[G>C]GTAGGGCCCATCAACCTCAAAAAAGATGCTGTTCTCTGAGCGGGTGACGTAGGTGAGTGA-3'
Protein context (NP_006222.2, residues 928-948): SIFFEVDGPY[Leu938Val]AMILPASKEE

ClinVar aggregate classification (germline): Uncertain significance. Review status: criteria provided, multiple submitters, no conflicts (2 of 4 stars). 2 submissions from 2 submitters: Uncertain significance (2). Last evaluated 2025-06-30.

Conditions:
Hereditary cancer-predisposing syndrome. Also called: Neoplastic Syndromes, Hereditary; Hereditary Cancer Syndrome; Tumor predisposition; Hereditary neoplastic syndrome. Identifiers: Orphanet 140162, MedGen C0027672, MeSH D009386, MONDO:0015356.

Submissions (2):

Ambry Genetics
Classification: Uncertain significance for Hereditary cancer-predisposing syndrome. Last evaluated: 2025-06-30. Review status: criteria provided, single submitter. Criteria: Ambry Variant Classification Scheme 2023. Collection method: clinical testing. Allele origin: germline.
Comment: The p.L938V variant (also known as c.2812C>G), located in coding exon 24 of the POLE gene, results from a C to G substitution at nucleotide position 2812. The leucine at codon 938 is replaced by valine, an amino acid with highly similar properties. This amino acid position is conserved. In addition, this alteration is predicted to be tolerated by in silico analysis. Based on the available evidence, the clinical significance of this variant remains unclear.

Labcorp Genetics (formerly Invitae), Labcorp
Classification: Uncertain significance. Last evaluated: 2021-08-18. Review status: criteria provided, single submitter. Criteria: Invitae Variant Classification Sherloc (09022015). Collection method: clinical testing. Allele origin: germline.
Comment: This sequence change replaces leucine with valine at codon 938 of the POLE protein (p.Leu938Val). The leucine residue is highly conserved and there is a small physicochemical difference between leucine and valine. In summary, the available evidence is currently insufficient to determine the role of this variant in disease. Therefore, it has been classified as a Variant of Uncertain Significance. Algorithms developed to predict the effect of missense changes on protein structure and function are either unavailable or do not agree on the potential impact of this missense change (SIFT: "Tolerated"; PolyPhen-2: "Possibly Damaging"; Align-GVGD: "Class C0"). This variant has not been reported in the literature in individuals with POLE-related conditions. This variant is not present in population databases (ExAC no frequency).